The following is an entry in ClinVar:

ClinVar aggregate classification (germline): Uncertain significance (1 of 4 stars; one submission).

Conditions:
Imerslund-Grasbeck syndrome. Also called: ENTEROCYTE COBALAMIN MALABSORPTION; ENTEROCYTE INTRINSIC FACTOR RECEPTOR, DEFECT OF; PERNICIOUS ANEMIA, JUVENILE, DUE TO SELECTIVE INTESTINAL MALABSORPTION OF VITAMIN B12, WITH PROTEINURIA; Imerslund-Gräsbeck syndrome; Megaloblastic anemia due to inborn errors of metabolism. Identifiers: Orphanet 35858, MedGen C4551825, MONDO:0009853.

Allele frequency attached by ClinVar (database versions not stated): gnomAD exomes below 0.00001.
gnomAD v4.1: 1 of 1,614,154 alleles (0.000062%); highest among the groups gnomAD compares: Admixed American, 0.0017%; no homozygotes.

Submission:

Labcorp Genetics (formerly Invitae), Labcorp
Classification: Uncertain significance for Imerslund-Grasbeck syndrome. Last evaluated: 2025-06-02. Review status: criteria provided, single submitter. Criteria: Invitae Variant Classification Sherloc (09022015). Collection method: clinical testing. Allele origin: germline.
Comment: This sequence change replaces aspartic acid, which is acidic and polar, with asparagine, which is neutral and polar, at codon 3180 of the CUBN protein (p.Asp3180Asn). This variant is present in population databases (no rsID available, gnomAD 0.003%). This variant has not been reported in the literature in individuals affected with CUBN-related conditions. ClinVar contains an entry for this variant (Variation ID: 3003075). Invitae Evidence Modeling of protein sequence and biophysical properties (such as structural, functional, and spatial information, amino acid conservation, physicochemical variation, residue mobility, and thermodynamic stability) has been performed for this missense variant. However, the output from this modeling did not meet the statistical confidence thresholds required to predict the impact of this variant on CUBN protein function. In summary, the available evidence is currently insufficient to determine the role of this variant in disease. Therefore, it has been classified as a Variant of Uncertain Significance.

NM_001081.4(CUBN):c.9538G>A (p.Asp3180Asn)

Gene: CUBN (cubilin; minus strand). Cytogenetic location: 10p13.
Variant type: single nucleotide variant.
Coding change: c.9538G>A on transcript NM_001081.4 (MANE Select); coding-DNA position 9538, G replaced by A.
Protein change: p.Asp3180Asn; replaces aspartic acid 3180 with asparagine.
Molecular consequence: missense variant.
Genome position (GRCh38, 1-based): chr10:16,851,360, C>T on the plus strand (G>A on the coding strand, the complement: CUBN is on the minus strand). VCF-style: chr10-16851360-C-T. GRCh37 (hg19) VCF-style: chr10-16893359-C-T.
Other names: short protein forms D3180N.
Identifiers: ClinVar variation 3003075 (VCV003003075.3), dbSNP rs1172378654, ClinGen allele CA376125030.